The following is an entry in ClinVar:

ClinVar aggregate classification (germline): Uncertain significance (1 of 4 stars; one submission).

Conditions:
Leber congenital amaurosis (LCA). Also called: Leber's amaurosis. Identifiers: Orphanet 65, MedGen C0339527, MeSH D057130, MONDO:0018998.

Submission:

Lab De Baere, Eye and Developmental Genetics Lab, Ghent University
Classification: Uncertain significance for Leber congenital amaurosis. Last evaluated: 2024-10-01. Review status: criteria provided, single submitter. Criteria: ACMG Guidelines, 2015. Collection method: research. Allele origin: inherited. Affected: yes. Observed: 1 variant allele.
Comment: ACMG/AMP guidelines: PM2, PM3_1

NM_015909.4(NBAS):c.5671G>A (p.Asp1891Asn)

Gene: NBAS (NBAS subunit of NRZ tethering complex; minus strand). Cytogenetic location: 2p24.3.
Variant type: single nucleotide variant.
Coding change: c.5671G>A on transcript NM_015909.4 (MANE Select); coding-DNA position 5671, G replaced by A.
Protein change: p.Asp1891Asn; replaces aspartic acid 1891 with asparagine.
Molecular consequence: missense variant. On other transcripts: non-coding transcript variant (1).
Genome position (GRCh38, 1-based): chr2:15,275,537, C>T on the plus strand (G>A on the coding strand, the complement: NBAS is on the minus strand). VCF-style: chr2-15275537-C-T. GRCh37 (hg19) VCF-style: chr2-15415661-C-T.
Other names: short protein forms D1891N.
Identifiers: ClinVar variation 3544479 (VCV003544479.1).